The following is an entry in ClinVar:

ClinVar aggregate classification (germline): Uncertain significance. Review status: criteria provided, multiple submitters, no conflicts (2 of 4 stars). 2 submissions from 2 submitters: Uncertain significance (2). Last evaluated 2025-08-01.

Conditions:
Inborn genetic diseases. Identifiers: MedGen C0950123, MeSH D030342.

Allele frequency attached by ClinVar (database versions not stated): TOPMed 0.00001; ESP Exome Variant Server 0.00008.

Submissions (2):

Ambry Genetics
Classification: Uncertain significance for Inborn genetic diseases. Last evaluated: 2025-08-01. Review status: criteria provided, single submitter. Criteria: Ambry Variant Classification Scheme 2023. Collection method: clinical testing. Allele origin: germline.

CeGaT Center for Human Genetics Tuebingen
Classification: Uncertain significance. Last evaluated: 2022-08-01. Review status: criteria provided, single submitter. Criteria: CeGaT Center For Human Genetics Tuebingen Variant Classification Criteria Version 2. Collection method: clinical testing. Allele origin: germline. Affected: yes. Observed: 1 variant allele.
Comment: ZNF292: PM2, BP4

NM_015021.3(ZNF292):c.3120A>T (p.Gln1040His)

Gene: ZNF292 (zinc finger protein 292; plus strand). Cytogenetic location: 6q14.3.
Variant type: single nucleotide variant.
Coding change: c.3120A>T on transcript NM_015021.3 (MANE Select); coding-DNA position 3120, A replaced by T.
Protein change: p.Gln1040His; replaces glutamine 1040 with histidine.
Molecular consequence: missense variant.
Genome position (GRCh38, 1-based): chr6:87,256,749, A>T. VCF-style: chr6-87256749-A-T. GRCh37 (hg19) VCF-style: chr6-87966467-A-T.
Other names: c.3120A>T (NM_015021.1); c.2700A>T, p.Gln900His (NM_001351444.2); short protein forms Q1040H, Q900H.
Identifiers: ClinVar variation 2656741 (VCV002656741.25), dbSNP rs369021831, ClinGen allele CA142837282.